The following is an entry in ClinVar:

NM_002133.3(HMOX1):c.93T>C (p.Ala31=)

Gene: HMOX1 (heme oxygenase 1; plus strand). Cytogenetic location: 22q12.3.
Variant type: single nucleotide variant.
Coding change: c.93T>C on transcript NM_002133.3 (MANE Select); coding-DNA position 93, T replaced by C.
Protein change: p.Ala31=; no amino-acid change (alanine 31 retained).
Molecular consequence: synonymous variant.
Genome position (GRCh38, 1-based): chr22:35,383,175, T>C. VCF-style: chr22-35383175-T-C. GRCh37 (hg19) VCF-style: chr22-35779168-T-C.
Other names: p.Ala31=.
Identifiers: ClinVar variation 4684477 (VCV004684477.1).

ClinVar aggregate classification (germline): Likely benign (1 of 4 stars; one submission).

Submission:

Mayo Clinic Laboratories, Mayo Clinic
Classification: Likely benign. Last evaluated: 2025-04-16. Review status: criteria provided, single submitter. Criteria: ACMG Guidelines, 2015. Collection method: clinical testing. Allele origin: germline. Observed: 1 variant allele.
Comment: BP4, BP7, PM2_supporting